The following is an entry in ClinVar:

NM_138817.3(SLC7A13):c.874C>A (p.Pro292Thr)

Gene: SLC7A13 (solute carrier family 7 member 13; minus strand). Cytogenetic location: 8q21.3.
Variant type: single nucleotide variant.
Coding change: c.874C>A on transcript NM_138817.3 (MANE Select); coding-DNA position 874, C replaced by A.
Protein change: p.Pro292Thr; replaces proline 292 with threonine.
Molecular consequence: missense variant.
Genome position (GRCh38, 1-based): chr8:86,217,775, G>T on the plus strand (C>A on the coding strand, the complement: SLC7A13 is on the minus strand). VCF-style: chr8-86217775-G-T. GRCh37 (hg19) VCF-style: chr8-87230004-G-T.
Other names: c.874C>A (NM_138817.2); short protein forms P292T.
Identifiers: ClinVar variation 1386793 (VCV001386793.10), dbSNP rs780851308, ClinGen allele CA4797696.

ClinVar aggregate classification (germline): Uncertain significance. Review status: criteria provided, multiple submitters, no conflicts (2 of 4 stars). 2 submissions from 2 submitters: Uncertain significance (2). Last evaluated 2025-12-11.

gnomAD v4.1: 17 of 1,611,560 alleles (0.0011%); highest among the groups gnomAD compares: Admixed American, 0.018%; no homozygotes.

Submissions (2):

Ambry Genetics
Classification: Uncertain significance. Last evaluated: 2025-12-11. Review status: criteria provided, single submitter. Criteria: Ambry Variant Classification Scheme 2023. Collection method: clinical testing. Allele origin: germline.

Labcorp Genetics (formerly Invitae), Labcorp
Classification: Uncertain significance. Last evaluated: 2025-03-31. Review status: criteria provided, single submitter. Criteria: Invitae Variant Classification Sherloc (09022015). Collection method: clinical testing. Allele origin: germline.
Comment: This sequence change replaces proline, which is neutral and non-polar, with threonine, which is neutral and polar, at codon 292 of the SLC7A13 protein (p.Pro292Thr). This variant is present in population databases (rs780851308, gnomAD 0.03%). This variant has not been reported in the literature in individuals affected with SLC7A13-related conditions. ClinVar contains an entry for this variant (Variation ID: 1386793). An algorithm developed to predict the effect of missense changes on protein structure and function (PolyPhen-2) suggests that this variant is likely to be disruptive. In summary, the available evidence is currently insufficient to determine the role of this variant in disease. Therefore, it has been classified as a Variant of Uncertain Significance.